The following is an entry in ClinVar:

NM_001080421.3(UNC13A):c.4855G>A (p.Val1619Met)

Gene: UNC13A (unc-13 homolog A; minus strand). Cytogenetic location: 19p13.11.
Variant type: single nucleotide variant.
Coding change: c.4855G>A on transcript NM_001080421.3 (MANE Select); coding-DNA position 4855, G replaced by A.
Protein change: p.Val1619Met; replaces valine 1619 with methionine.
Molecular consequence: missense variant.
Genome position (GRCh38, 1-based): chr19:17,606,311, C>T on the plus strand (G>A on the coding strand, the complement: UNC13A is on the minus strand). VCF-style: chr19-17606311-C-T. GRCh37 (hg19) VCF-style: chr19-17717120-C-T.
Other names: p.Val1619Met; c.4843G>A, p.Val1615Met (NM_001387021.1); c.4840G>A, p.Val1614Met (NM_001387022.1); c.4774G>A, p.Val1592Met (NM_001387023.1); short protein forms V1592M, V1614M, V1615M, V1619M.
Identifiers: ClinVar variation 2634161 (VCV002634161.5), dbSNP rs779007137, ClinGen allele CA9297531.
Genomic context (GRCh38, chr19:17,606,311, plus strand): 5'-GCAGCACGGCCAGCCCCACCGTGCGGTCCTCGCGCGCGAAGCAGTAGTCCTTGACGCACA[C>T]CTGCAGCTCATAGCACTCGGGACCCGCGTCGGCGCTCAGCGTGCTGCGTGGGGAGGGGCG-3'
Protein context (NP_001073890.2, residues 1609-1629): DAGPECYELQ[Val1619Met]CVKDYCFARE

ClinVar aggregate classification (germline): Uncertain significance. Review status: criteria provided, multiple submitters, no conflicts (2 of 4 stars). 2 submissions from 2 submitters: Uncertain significance (2). Last evaluated 2025-12-05.

Conditions:
UNC13A-related disorder. Also called: UNC13A-related condition.

Allele frequency attached by ClinVar (database versions not stated): ExAC 0.00028; 1000 Genomes Project 30x 0.00031; TOPMed 0.00039; gnomAD 0.00048; gnomAD exomes 0.00065.

Submissions (2):

Mayo Clinic Laboratories, Mayo Clinic
Classification: Uncertain significance. Last evaluated: 2025-12-05. Review status: criteria provided, single submitter. Criteria: ACMG Guidelines, 2015. Collection method: clinical testing. Allele origin: germline. Observed: 1 variant allele.
Comment: BP4_moderate

PreventionGenetics, part of Exact Sciences
Classification: Uncertain significance for UNC13A-related condition. Last evaluated: 2025-08-06. Review status: criteria provided, single submitter. Criteria: ACMG Guidelines, 2015. Collection method: clinical testing. Allele origin: germline.
Comment: The UNC13A c.4855G>A variant is predicted to result in the amino acid substitution p.Val1619Met. To our knowledge, this variant has not been reported in the literature. This variant is reported in 0.099% of alleles in individuals of European (Finnish) descent in gnomAD. A different variant affecting the same amino acid (p.Val1619Gly) was reported in the homozygous state in an individual with epileptic encephalopathy with intractable seizures and global developmental delay; however, no additional information was provided to assess pathogenicity (Table S1 and S3, Al-Dewik et al. 2019. PubMed ID: 30919572). Although we suspect that this variant may be benign, the clinical significance of this variant is uncertain at this time due to the absence of conclusive functional and genetic evidence.

Literature cited by the submitters: PubMed 23141412 (cited by Mayo Clinic Laboratories, Mayo Clinic).